The following is an entry in ClinVar:

NM_025257.3(SLC44A4):c.58G>A (p.Asp20Asn)

Gene: SLC44A4 (solute carrier family 44 member 4; minus strand). Cytogenetic location: 6p21.33.
Variant type: single nucleotide variant.
Coding change: c.58G>A on transcript NM_025257.3 (MANE Select); coding-DNA position 58, G replaced by A.
Protein change: p.Asp20Asn; replaces aspartic acid 20 with asparagine.
Molecular consequence: missense variant. On other transcripts: 5 prime UTR variant (1).
Genome position (GRCh38, 1-based): chr6:31,877,065, C>T on the plus strand (G>A on the coding strand, the complement: SLC44A4 is on the minus strand). VCF-style: chr6-31877065-C-T. GRCh37 (hg19) VCF-style: chr6-31844842-C-T.
Other names: c.58G>A, p.Asp20Asn (NM_001178044.2); c.-171G>A (NM_001178045.2); short protein forms D20N.
Identifiers: ClinVar variation 4691758 (VCV004691758.1).

ClinVar aggregate classification (germline): Uncertain significance (1 of 4 stars; one submission).

gnomAD v4.1: 15 of 1,610,290 alleles (0.00093%); highest among the groups gnomAD compares: Admixed American, 0.0034%; no homozygotes.

Submission:

Labcorp Genetics (formerly Invitae), Labcorp
Classification: Uncertain significance. Last evaluated: 2025-02-12. Review status: criteria provided, single submitter. Criteria: Invitae Variant Classification Sherloc (09022015). Collection method: clinical testing. Allele origin: germline.
Comment: This sequence change replaces aspartic acid, which is acidic and polar, with asparagine, which is neutral and polar, at codon 20 of the SLC44A4 protein (p.Asp20Asn). This variant is present in population databases (rs770447960, gnomAD 0.006%). This variant has not been reported in the literature in individuals affected with SLC44A4-related conditions. An algorithm developed to predict the effect of missense changes on protein structure and function (PolyPhen-2) suggests that this variant is likely to be tolerated. In summary, the available evidence is currently insufficient to determine the role of this variant in disease. Therefore, it has been classified as a Variant of Uncertain Significance.